The following is an entry in ClinVar:

ClinVar aggregate classification (germline): Uncertain significance. Review status: criteria provided, multiple submitters, no conflicts (2 of 4 stars). 2 submissions from 2 submitters: Uncertain significance (2). Last evaluated 2022-10-05.

Conditions:
Inborn genetic diseases. Identifiers: MedGen C0950123, MeSH D030342.
Ulnar-mammary syndrome (UMS). Also called: Ulnar-mammary syndrome of Pallister; PALLISTER ULNAR-MAMMARY SYNDROME; SCHINZEL SYNDROME. Identifiers: Orphanet 3138, MedGen C1866994, MONDO:0008411, OMIM 181450.

Allele frequency attached by ClinVar (database versions not stated): gnomAD exomes 0.00001; TOPMed 0.00001.

Submissions (2):

Labcorp Genetics (formerly Invitae), Labcorp
Classification: Uncertain significance for Ulnar-mammary syndrome. Last evaluated: 2022-10-05. Review status: criteria provided, single submitter. Criteria: Invitae Variant Classification Sherloc (09022015). Collection method: clinical testing. Allele origin: germline.
Comment: This sequence change replaces methionine, which is neutral and non-polar, with leucine, which is neutral and non-polar, at codon 171 of the TBX3 protein (p.Met171Leu). This variant is present in population databases (no rsID available, gnomAD 0.007%). This variant has not been reported in the literature in individuals affected with TBX3-related conditions. ClinVar contains an entry for this variant (Variation ID: 1371545). Algorithms developed to predict the effect of missense changes on protein structure and function are either unavailable or do not agree on the potential impact of this missense change (SIFT: "Deleterious"; PolyPhen-2: "Probably Damaging"; Align-GVGD: "Class C0"). In summary, the available evidence is currently insufficient to determine the role of this variant in disease. Therefore, it has been classified as a Variant of Uncertain Significance.

Ambry Genetics
Classification: Uncertain significance for Inborn genetic diseases. Last evaluated: 2022-06-03. Review status: criteria provided, single submitter. Criteria: Ambry Variant Classification Scheme 2023. Collection method: clinical testing. Allele origin: germline.

NM_005996.4(TBX3):c.511A>C (p.Met171Leu)

Gene: TBX3 (T-box transcription factor 3; minus strand). Cytogenetic location: 12q24.21.
Variant type: single nucleotide variant.
Coding change: c.511A>C on transcript NM_005996.4 (MANE Select); coding-DNA position 511, A replaced by C.
Protein change: p.Met171Leu; replaces methionine 171 with leucine.
Molecular consequence: missense variant.
Genome position (GRCh38, 1-based): chr12:114,681,025, T>G on the plus strand (A>C on the coding strand, the complement: TBX3 is on the minus strand). VCF-style: chr12-114681025-T-G. GRCh37 (hg19) VCF-style: chr12-115118830-T-G.
Other names: c.511A>C, p.Met171Leu (NM_016569.4); c.511A>C (NM_005996.3); short protein forms M171L.
Identifiers: ClinVar variation 1371545 (VCV001371545.7), dbSNP rs905399897, ClinGen allele CA244153171.